The following is an entry in ClinVar:

NM_002474.3(MYH11):c.3223C>T (p.Gln1075Ter)

Gene: MYH11 (myosin heavy chain 11; minus strand). Cytogenetic location: 16p13.11.
Variant type: single nucleotide variant.
Coding change: c.3223C>T on transcript NM_002474.3 (MANE Select); coding-DNA position 3223, C replaced by T.
Protein change: p.Gln1075Ter; replaces glutamine 1075 with a stop codon.
Molecular consequence: nonsense.
Genome position (GRCh38, 1-based): chr16:15,737,519, G>A on the plus strand (C>T on the coding strand, the complement: MYH11 is on the minus strand). VCF-style: chr16-15737519-G-A. GRCh37 (hg19) VCF-style: chr16-15831376-G-A.
Other names: c.3244C>T, p.Gln1082Ter (NM_001040113.2, NM_001040114.2); c.3223C>T, p.Gln1075Ter (NM_022844.3); short protein forms Q1075*, Q1082*.
Identifiers: ClinVar variation 918693 (VCV000918693.3), dbSNP rs2041155319, ClinGen allele CA394863015.

ClinVar aggregate classification (germline): Uncertain significance (1 of 4 stars; one submission).

Conditions:
Familial thoracic aortic aneurysm and aortic dissection (TAAD). Also called: Thoracic aortic aneurysms and dissections. Identifiers: Orphanet 91387, MedGen C4707243, MONDO:0019625.

Submission:

Color Diagnostics, LLC DBA Color Health
Classification: Uncertain significance for Familial thoracic aortic aneurysm and aortic dissection. Last evaluated: 2019-05-22. Review status: criteria provided, single submitter. Criteria: ACMG Guidelines, 2015. Collection method: clinical testing. Allele origin: germline.
Comment: This variant changes 1 nucleotide in exon 26 of the MYH11 gene, creating a premature translation stop signal. This variant is expected to result in an absent or non-functional protein product. Computational splicing tools suggest that this variant may not impact RNA splicing. To our knowledge, functional assays have not been performed for this variant nor has this variant been reported in individuals affected with cardiovascular disorders in the literature. This variant has not been identified in the general population by the Genome Aggregation Database (gnomAD). Clinical significance of loss-of-function truncation variants in the MYH11 gene is not clearly established. Available evidence is insufficient to determine the role of this variant in disease conclusively. Therefore, this variant is classified as a Variant of Uncertain Significance.